The following is an entry in ClinVar:

ClinVar aggregate classification (germline): Likely pathogenic (1 of 4 stars; one submission).

Submission:

GeneDx
Classification: Likely pathogenic. Last evaluated: 2026-03-10. Review status: criteria provided, single submitter. Criteria: GeneDx Variant Classification Process June 2021. Collection method: clinical testing. Allele origin: germline.
Comment: Nonsense variant predicted to result in protein truncation, as the last 479 amino acid(s) are lost, and other loss-of-function variants have been reported downstream in HGMD; Not observed at significant frequency in large population cohorts (gnomAD); Has not been previously reported as pathogenic or benign in association with IRF2BPL-related disorders to our knowledge; This variant is associated with the following publications: (PMID: 36475376)

NM_024496.4(IRF2BPL):c.953C>A (p.Ser318Ter)

Gene: IRF2BPL (interferon regulatory factor 2 binding protein like; minus strand). Cytogenetic location: 14q24.3.
Variant type: single nucleotide variant.
Coding change: c.953C>A on transcript NM_024496.4 (MANE Select); coding-DNA position 953, C replaced by A.
Protein change: p.Ser318Ter; replaces serine 318 with a stop codon.
Molecular consequence: nonsense.
Genome position (GRCh38, 1-based): chr14:77,026,840, G>T on the plus strand (C>A on the coding strand, the complement: IRF2BPL is on the minus strand). VCF-style: chr14-77026840-G-T. GRCh37 (hg19) VCF-style: chr14-77493183-G-T.
Other names: short protein forms S318*.
Identifiers: ClinVar variation 4891512 (VCV004891512.1).
Genomic context (GRCh38, chr14:77,026,840, plus strand): 5'-GTGCTCGACACCGAGCCGGGCCTCTTACCACCAGCACCCACGCCCACCTCTGCCACCGAC[G>T]AAGAGGTCGAAGACGACGCGGAGGACGACGTGGCCGATACACCCGGGGTACCCCCGAGAC-3'